The following is an entry in ClinVar:

NM_001242896.3(DEPDC5):c.1964_1965del (p.Ser655fs)

Gene: DEPDC5 (DEP domain containing 5, GATOR1 subcomplex subunit; plus strand). Cytogenetic location: 22q12.3.
Variant type: Microsatellite.
Coding change: c.1964_1965del on transcript NM_001242896.3 (MANE Select); coding-DNA positions 1964 to 1965, 2 bases deleted (CT; older notation c.1964_1965delCT).
Protein change: p.Ser655fs; shifts the reading frame from serine 655.
Molecular consequence: frameshift variant. On other transcripts: non-coding transcript variant (4), intron variant (3).
Genome position (GRCh38, 1-based): chr22:31,821,595-31,821,596, CT deleted; deleting any 2 consecutive bases within chr22:31,821,593-31,821,596 gives the same sequence; the c. name uses the placement nearest the transcript's 3' end. VCF-style (leftmost placement, unchanged base first): chr22-31821592-CCT-C. GRCh37 (hg19) VCF-style: chr22-32217578-CCT-C.
Other names: c.1964_1965del, p.Ser655fs (NM_001136029.4, NM_001363852.2, NM_001364318.2 and 3 more transcripts); c.1880_1881del, p.Ser627fs (NM_001369901.1, NM_001369902.1); c.1870+2370_1870+2371del (NM_001363854.2, NM_001242897.2, NM_001364319.2); short protein forms S627fs, S655fs.
Identifiers: ClinVar variation 589219 (VCV000589219.10), dbSNP rs1372605067, ClinGen allele CA639059386.
Genomic context (GRCh38, chr22:31,821,592, plus strand): 5'-ACCAGACCCGACAGAATATGGCGGAGCTACAAGGCAGCGGGCAGAGGGATCCAACTCACT[CCT>C]CTGCAGAGCTGCTGGAGTTAGCATATCATGAAGCTGCTGGAAGGTGAGGATGTGCACAGG-3'

ClinVar aggregate classification (germline): Pathogenic. Review status: criteria provided, multiple submitters, no conflicts (2 of 4 stars). 2 submissions from 2 submitters: Pathogenic (2). Last evaluated 2024-07-08.

Conditions:
Familial focal epilepsy with variable foci (FPEVF). Identifiers: Orphanet 98820, MedGen C1858477, MONDO:0020310.
Inborn genetic diseases. Identifiers: MedGen C0950123, MeSH D030342.

Submissions (2):

Labcorp Genetics (formerly Invitae), Labcorp
Classification: Pathogenic for Familial focal epilepsy with variable foci. Last evaluated: 2024-07-08. Review status: criteria provided, single submitter. Criteria: Invitae Variant Classification Sherloc (09022015). Collection method: clinical testing. Allele origin: germline.
Comment: This sequence change creates a premature translational stop signal (p.Ser655Cysfs*10) in the DEPDC5 gene. It is expected to result in an absent or disrupted protein product. Loss-of-function variants in DEPDC5 are known to be pathogenic (PMID: 23542697, 23542701). This variant is present in population databases (no rsID available, gnomAD 0.003%). This variant has not been reported in the literature in individuals affected with DEPDC5-related conditions. ClinVar contains an entry for this variant (Variation ID: 589219). For these reasons, this variant has been classified as Pathogenic.

Ambry Genetics
Classification: Pathogenic for Inborn genetic diseases. Last evaluated: 2017-06-12. Review status: criteria provided, single submitter. Criteria: Ambry Variant Classification Scheme 2023. Collection method: clinical testing. Allele origin: germline.
Comment: The c.1964_1965delCT pathogenic mutation, located in coding exon 22 of the DEPDC5 gene, results from a deletion of two nucleotides at nucleotide positions 1964 to 1965, causing a translational frameshift with a predicted alternate stop codon (p.S655Cfs*10). This alteration is expected to result in loss of function by premature protein truncation or nonsense-mediated mRNA decay. As such, this alteration is interpreted as a disease-causing mutation.

Literature cited by the submitters: PubMed 23542697 (cited by Labcorp Genetics (formerly Invitae), Labcorp); PubMed 23542701 (cited by Labcorp Genetics (formerly Invitae), Labcorp).